The following is an entry in ClinVar:

ClinVar aggregate classification (germline): Pathogenic (1 of 4 stars; one submission).

Conditions:
Pulmonary fibrosis and/or bone marrow failure, Telomere-related, 3. Also called: PULMONARY FIBROSIS AND/OR BONE MARROW FAILURE SYNDROME, TELOMERE-RELATED, 3. Identifiers: Orphanet 2032, MedGen C4225346, MONDO:0014613, OMIM 616373.
Dyskeratosis congenita, autosomal recessive 5 (DKCB5). Identifiers: MedGen C3554656, MONDO:0014076, OMIM 615190.

Submission:

Labcorp Genetics (formerly Invitae), Labcorp
Classification: Pathogenic for Dyskeratosis congenita, autosomal recessive 5; Pulmonary fibrosis and/or bone marrow failure, Telomere-related, 3. Last evaluated: 2025-04-21. Review status: criteria provided, single submitter. Criteria: Invitae Variant Classification Sherloc (09022015). Collection method: clinical testing. Allele origin: germline.
Comment: This sequence change creates a premature translational stop signal (p.Ala940Leufs*32) in the RTEL1 gene. It is expected to result in an absent or disrupted protein product. Loss-of-function variants in RTEL1 are known to be pathogenic (PMID: 23453664, 23959892, 25607374). This variant is not present in population databases (gnomAD no frequency). This variant has not been reported in the literature in individuals affected with RTEL1-related conditions. ClinVar contains an entry for this variant (Variation ID: 2924989). For these reasons, this variant has been classified as Pathogenic.

Literature cited by the submitters: PubMed 23453664; PubMed 23959892; PubMed 25607374.

NM_001283009.2(RTEL1):c.2818del (p.Ala940fs)

Genes: RTEL1 (regulator of telomere elongation helicase 1; plus strand), RTEL1-TNFRSF6B (RTEL1-TNFRSF6B readthrough (NMD candidate); plus strand). Cytogenetic location: 20q13.33.
Variant type: Deletion.
Coding change: c.2818del on transcript NM_001283009.2 (MANE Select); coding-DNA position 2818, one base deleted (G; older notation c.2818delG).
Protein change: p.Ala940fs; shifts the reading frame from alanine 940.
Molecular consequence: frameshift variant. On other transcripts: non-coding transcript variant (1).
Genome position (GRCh38, 1-based): chr20:63,692,970, G deleted. VCF-style (leftmost placement, unchanged base first): chr20-63692969-TG-T. GRCh37 (hg19) VCF-style: chr20-62324322-TG-T.
Other names: c.2149del, p.Ala717fs (NM_001283010.1); c.2818del, p.Ala940fs (NM_016434.4); c.2890del, p.Ala964fs (NM_032957.5); short protein forms A940fs, A717fs, A964fs.
Identifiers: ClinVar variation 2924989 (VCV002924989.3), dbSNP rs2517166376, ClinGen allele CA2740094612.